The following is an entry in ClinVar:

ClinVar aggregate classification (germline): Uncertain significance. Review status: criteria provided, multiple submitters, no conflicts (2 of 4 stars). 2 submissions from 2 submitters: Uncertain significance (2). Last evaluated 2025-03-18.

Conditions:
Long QT syndrome (LQTS). Identifiers: MedGen C0023976, MeSH D008133, MONDO:0002442. Disease mechanism: loss of function. Inheritance: Various modes of inheritance.

Submissions (2):

GeneDx
Classification: Uncertain significance. Last evaluated: 2025-03-18. Review status: criteria provided, single submitter. Criteria: GeneDx Variant Classification Process June 2021. Collection method: clinical testing. Allele origin: germline. Affected: yes.
Comment: Not observed at significant frequency in large population cohorts (gnomAD); In silico analysis supports that this missense variant has a deleterious effect on protein structure/function; This variant is associated with the following publications: (PMID: 37199999, 34841674)

Labcorp Genetics (formerly Invitae), Labcorp
Classification: Uncertain significance for Long QT syndrome. Last evaluated: 2023-08-21. Review status: criteria provided, single submitter. Criteria: Invitae Variant Classification Sherloc (09022015). Collection method: clinical testing. Allele origin: germline.
Comment: In summary, the available evidence is currently insufficient to determine the role of this variant in disease. Therefore, it has been classified as a Variant of Uncertain Significance. An algorithm developed to predict the effect of missense changes on protein structure and function (PolyPhen-2) suggests that this variant is likely to be disruptive. This variant has not been reported in the literature in individuals affected with KCNH2-related conditions. This variant is present in population databases (rs376319070, gnomAD 0.0009%). This sequence change replaces aspartic acid, which is acidic and polar, with histidine, which is basic and polar, at codon 591 of the KCNH2 protein (p.Asp591His).

NM_000238.4(KCNH2):c.1771G>C (p.Asp591His)

Gene: KCNH2 (potassium voltage-gated channel subfamily H member 2; minus strand). Cytogenetic location: 7q36.1.
Variant type: single nucleotide variant.
Coding change: c.1771G>C on transcript NM_000238.4 (MANE Select); coding-DNA position 1771, G replaced by C.
Protein change: p.Asp591His; replaces aspartic acid 591 with histidine.
Molecular consequence: missense variant. On other transcripts: non-coding transcript variant (2).
Genome position (GRCh38, 1-based): chr7:150,951,622, C>G on the plus strand (G>C on the coding strand, the complement: KCNH2 is on the minus strand). VCF-style: chr7-150951622-C-G. GRCh37 (hg19) VCF-style: chr7-150648710-C-G.
Other names: c.751G>C, p.Asp251His (NM_001204798.2, NM_172057.3); c.1483G>C, p.Asp495His (NM_001406753.1, NM_001406756.1); c.1594G>C, p.Asp532His (NM_001406755.1); c.1471G>C, p.Asp491His (NM_001406757.1); c.1771G>C, p.Asp591His (NM_172056.3); c.1771G>C (NM_000238.2); short protein forms D495H, D532H, D251H, D491H, D591H.
Identifiers: ClinVar variation 2800042 (VCV002800042.4), dbSNP rs376319070, ClinGen allele CA029457.